The following is an entry in ClinVar:

ClinVar aggregate classification (germline): Uncertain significance (1 of 4 stars; one submission).

Allele frequency attached by ClinVar (database versions not stated): gnomAD exomes below 0.00001.
gnomAD v4.1: 1 of 1,613,030 alleles (0.000062%); highest among the groups gnomAD compares: East Asian, 0.0022%; no homozygotes.

Submission:

Labcorp Genetics (formerly Invitae), Labcorp
Classification: Uncertain significance. Last evaluated: 2023-11-07. Review status: criteria provided, single submitter. Criteria: Invitae Variant Classification Sherloc (09022015). Collection method: clinical testing. Allele origin: germline.
Comment: This sequence change replaces glutamic acid, which is acidic and polar, with alanine, which is neutral and non-polar, at codon 174 of the CD151 protein (p.Glu174Ala). This variant is not present in population databases (gnomAD no frequency). This variant has not been reported in the literature in individuals affected with CD151-related conditions. An algorithm developed to predict the effect of missense changes on protein structure and function (PolyPhen-2) suggests that this variant is likely to be tolerated. In summary, the available evidence is currently insufficient to determine the role of this variant in disease. Therefore, it has been classified as a Variant of Uncertain Significance.

NM_004357.5(CD151):c.521A>C (p.Glu174Ala)

Gene: CD151 (CD151 molecule (Raph blood group); plus strand). Cytogenetic location: 11p15.5.
Variant type: single nucleotide variant.
Coding change: c.521A>C on transcript NM_004357.5 (MANE Select); coding-DNA position 521, A replaced by C.
Protein change: p.Glu174Ala; replaces glutamic acid 174 with alanine.
Molecular consequence: missense variant.
Genome position (GRCh38, 1-based): chr11:837,524, A>C. VCF-style: chr11-837524-A-C. GRCh37 (hg19) VCF-style: chr11-837524-A-C.
Other names: c.521A>C, p.Glu174Ala (NM_001039490.2, NM_139029.2, NM_139030.4); short protein forms E174A.
Identifiers: ClinVar variation 2770818 (VCV002770818.3), dbSNP rs2495983863, ClinGen allele CA378995560.